The following is an entry in ClinVar:

NM_001099922.3(ALG13):c.1912T>G (p.Ser638Ala)

Gene: ALG13 (ALG13 UDP-N-acetylglucosaminyltransferase subunit; plus strand). Cytogenetic location: Xq23.
Variant type: single nucleotide variant.
Coding change: c.1912T>G on transcript NM_001099922.3 (MANE Select); coding-DNA position 1912, T replaced by G.
Protein change: p.Ser638Ala; replaces serine 638 with alanine.
Molecular consequence: missense variant. On other transcripts: non-coding transcript variant (1).
Genome position (GRCh38, 1-based): chrX:111,726,991, T>G. VCF-style: chrX-111726991-T-G. GRCh37 (hg19) VCF-style: chrX-110970219-T-G.
Other names: c.1600T>G, p.Ser534Ala (NM_001257230.2, NM_001257234.2, NM_001257237.2); c.1678T>G, p.Ser560Ala (NM_001257231.2); c.1912T>G, p.Ser638Ala (NM_001324292.2); c.1426T>G, p.Ser476Ala (NM_001324293.1); short protein forms S476A, S534A, S560A, S638A.
Identifiers: ClinVar variation 4077904 (VCV004077904.3).

ClinVar aggregate classification (germline): Uncertain significance. Review status: criteria provided, multiple submitters, no conflicts (2 of 4 stars). 3 submissions from 3 submitters: Uncertain significance (3). Last evaluated 2025-09-14.

Conditions:
Developmental and epileptic encephalopathy, 36 (DEE36). Also called: Epileptic encephalopathy, early infantile, 36; Congenital disorder of glycosylation, type Is; ALG13-CDG. Identifiers: Orphanet 324422, MedGen C4317295, MONDO:0010472, OMIM 300884.

gnomAD v4.1: 9 of 1,211,298 alleles (0.00074%); highest among the groups gnomAD compares: Middle Eastern, 0.069%; no homozygotes.

Submissions (3):

Labcorp Genetics (formerly Invitae), Labcorp
Classification: Uncertain significance for Developmental and epileptic encephalopathy, 36. Last evaluated: 2025-09-14. Review status: criteria provided, single submitter. Criteria: Invitae Variant Classification Sherloc (09022015). Collection method: clinical testing. Allele origin: germline.
Comment: This sequence change replaces serine, which is neutral and polar, with alanine, which is neutral and non-polar, at codon 638 of the ALG13 protein (p.Ser638Ala). This variant is present in population databases (no rsID available, gnomAD 0.001%). This variant has not been reported in the literature in individuals affected with ALG13-related conditions. Invitae Evidence Modeling of protein sequence and biophysical properties (such as structural, functional, and spatial information, amino acid conservation, physicochemical variation, residue mobility, and thermodynamic stability) indicates that this missense variant is not expected to disrupt ALG13 protein function with a negative predictive value of 95%. In summary, the available evidence is currently insufficient to determine the role of this variant in disease. Therefore, it has been classified as a Variant of Uncertain Significance.

Revvity Omics, Revvity
Classification: Uncertain significance for Developmental and epileptic encephalopathy, 36. Last evaluated: 2023-11-28. Review status: criteria provided, single submitter. Criteria: ACMG Guidelines, 2015. Collection method: clinical testing. Allele origin: germline.

Blueprint Genetics
Classification: Uncertain significance. Last evaluated: 2022-04-25. Review status: criteria provided, single submitter. Criteria: ACMG Guidelines, 2015. Collection method: clinical testing. Allele origin: germline.